The following is an entry in ClinVar:

NM_001122681.2(SH3BP2):c.*3155C>T

Gene: SH3BP2 (SH3 domain binding protein 2; plus strand). Cytogenetic location: 4p16.3.
Variant type: single nucleotide variant.
Coding change: c.*3155C>T on transcript NM_001122681.2 (MANE Select); 3155 bases downstream of the stop codon, C replaced by T.
Molecular consequence: 3 prime UTR variant.
Genome position (GRCh38, 1-based): chr4:2,836,989, C>T. VCF-style: chr4-2836989-C-T. GRCh37 (hg19) VCF-style: chr4-2838716-C-T.
Other names: c.*3155C>T (LRG_1334t1, LRG_1334t2, NM_001145855.2 and 2 more transcripts).
Identifiers: ClinVar variation 348651 (VCV000348651.5), dbSNP rs138593399, ClinGen allele CA10617699.

ClinVar aggregate classification (germline): Benign (1 of 4 stars; one submission).

Conditions:
Fibrous dysplasia of jaw (CRBM). Also called: Cherubism. Identifiers: Orphanet 184, MedGen C0008029, MONDO:0007315, OMIM 118400.

Allele frequency attached by ClinVar (database versions not stated): 1000 Genomes Project 0.00100; 1000 Genomes Project 30x 0.00109; gnomAD 0.00224 and 0.00230; TOPMed 0.00240.

Submission:

Illumina Laboratory Services, Illumina
Classification: Benign for Fibrous dysplasia of jaw. Last evaluated: 2018-01-13. Review status: criteria provided, single submitter. Criteria: ICSL Variant Classification Criteria 13 December 2019. Collection method: clinical testing. Allele origin: germline.
Comment: This variant was observed in the ICSL laboratory as part of a predisposition screen in an ostensibly healthy population. It had not been previously curated by ICSL or reported in the Human Gene Mutation Database (HGMD: prior to June 1st, 2018), and was therefore a candidate for classification through an automated scoring system. Utilizing variant allele frequency, disease prevalence and penetrance estimates, and inheritance mode, an automated score was calculated to assess if this variant is too frequent to cause the disease. Based on the score and internal cut-off values, a variant classified as benign is not then subjected to further curation. The score for this variant resulted in a classification of benign for this disease.